The following is an entry in ClinVar:

ClinVar aggregate classification (germline): Uncertain significance (1 of 4 stars; one submission).

Conditions:
Hajdu-Cheney syndrome (HJCYS). Also called: SERPENTINE FIBULA-POLYCYSTIC KIDNEY SYNDROME; Acroosteolysis dominant type; ACROOSTEOLYSIS WITH OSTEOPOROSIS AND CHANGES IN SKULL AND MANDIBLE. Identifiers: Orphanet 955, MedGen C0917715, MONDO:0007057, OMIM 102500.

Allele frequency attached by ClinVar (database versions not stated): gnomAD exomes below 0.00001.
gnomAD v4.1: 5 of 1,614,172 alleles (0.00031%); highest among the groups gnomAD compares: Admixed American, 0.0017%; no homozygotes.

Submission:

Labcorp Genetics (formerly Invitae), Labcorp
Classification: Uncertain significance for Hajdu-Cheney syndrome. Last evaluated: 2022-08-06. Review status: criteria provided, single submitter. Criteria: Invitae Variant Classification Sherloc (09022015). Collection method: clinical testing. Allele origin: germline.
Comment: In summary, the available evidence is currently insufficient to determine the role of this variant in disease. Therefore, it has been classified as a Variant of Uncertain Significance. Advanced modeling of protein sequence and biophysical properties (such as structural, functional, and spatial information, amino acid conservation, physicochemical variation, residue mobility, and thermodynamic stability) performed at Invitae indicates that this missense variant is not expected to disrupt NOTCH2 protein function. This variant has not been reported in the literature in individuals affected with NOTCH2-related conditions. This variant is present in population databases (rs112363464, gnomAD 0.003%). This sequence change replaces glutamine, which is neutral and polar, with histidine, which is basic and polar, at codon 1631 of the NOTCH2 protein (p.Gln1631His).

NM_024408.4(NOTCH2):c.4893G>T (p.Gln1631His)

Gene: NOTCH2 (notch receptor 2; minus strand). Cytogenetic location: 1p12.
Variant type: single nucleotide variant.
Coding change: c.4893G>T on transcript NM_024408.4 (MANE Select); coding-DNA position 4893, G replaced by T.
Protein change: p.Gln1631His; replaces glutamine 1631 with histidine.
Molecular consequence: missense variant.
Genome position (GRCh38, 1-based): chr1:119,922,745, C>A on the plus strand (G>T on the coding strand, the complement: NOTCH2 is on the minus strand). VCF-style: chr1-119922745-C-A. GRCh37 (hg19) VCF-style: chr1-120465368-C-A.
Other names: short protein forms Q1631H.
Identifiers: ClinVar variation 1983378 (VCV001983378.4), dbSNP rs112363464, ClinGen allele CA30318185.
Genomic context (GRCh38, chr1:119,922,745, plus strand): 5'-GGCCAGGAGAGCTGCTGCTGCATCCGTGTTCTTGAAGCAGTGGTCTGAGTCTTGAACACA[C>A]TGGCGGTTGTCAATTTCCAGAAAGACTTTAGAGCTGTGGGATGCCAAGGGAGAAGCGGAG-3'
Protein context (NP_077719.2, residues 1621-1641): SKVFLEIDNR[Gln1631His]CVQDSDHCFK